The following is an entry in ClinVar:

NM_139057.4(ADAMTS17):c.2390C>T (p.Pro797Leu)

Gene: ADAMTS17 (ADAM metallopeptidase with thrombospondin type 1 motif 17; minus strand). Cytogenetic location: 15q26.3.
Variant type: single nucleotide variant.
Coding change: c.2390C>T on transcript NM_139057.4 (MANE Select); coding-DNA position 2390, C replaced by T.
Protein change: p.Pro797Leu; replaces proline 797 with leucine.
Molecular consequence: missense variant.
Genome position (GRCh38, 1-based): chr15:100,051,637, G>A on the plus strand (C>T on the coding strand, the complement: ADAMTS17 is on the minus strand). VCF-style: chr15-100051637-G-A. GRCh37 (hg19) VCF-style: chr15-100591842-G-A.
Other names: short protein forms P797L.
Identifiers: ClinVar variation 1404657 (VCV001404657.4), dbSNP rs141306868, ClinGen allele CA7757750.

ClinVar aggregate classification (germline): Uncertain significance (1 of 4 stars; one submission).

Allele frequency attached by ClinVar (database versions not stated): gnomAD exomes 0.00004; ExAC 0.00006; ESP Exome Variant Server 0.00008; TOPMed 0.00024; gnomAD 0.00027 and 0.00029; 1000 Genomes Project 30x 0.00078; 1000 Genomes Project 0.00100.
gnomAD v4.1: 94 of 1,614,154 alleles (0.0058%); highest among the groups gnomAD compares: African/African-American, 0.1%; 1 homozygote.

Submission:

Labcorp Genetics (formerly Invitae), Labcorp
Classification: Uncertain significance. Last evaluated: 2024-09-29. Review status: criteria provided, single submitter. Criteria: Invitae Variant Classification Sherloc (09022015). Collection method: clinical testing. Allele origin: germline.
Comment: This sequence change replaces proline, which is neutral and non-polar, with leucine, which is neutral and non-polar, at codon 797 of the ADAMTS17 protein (p.Pro797Leu). This variant is present in population databases (rs141306868, gnomAD 0.07%). This variant has not been reported in the literature in individuals affected with ADAMTS17-related conditions. ClinVar contains an entry for this variant (Variation ID: 1404657). An algorithm developed to predict the effect of missense changes on protein structure and function outputs the following: PolyPhen-2: "Benign". The leucine amino acid residue is found in multiple mammalian species, which suggests that this missense change does not adversely affect protein function. In summary, the available evidence is currently insufficient to determine the role of this variant in disease. Therefore, it has been classified as a Variant of Uncertain Significance.